The following is an entry in ClinVar:

NM_001142864.4(PIEZO1):c.2515G>A (p.Val839Met)

Genes: HSALR1 (HSP90AB1 associated lncRNA 1; plus strand), PIEZO1 (piezo type mechanosensitive ion channel component 1 (Er blood group); minus strand). Cytogenetic location: 16q24.3.
Variant type: single nucleotide variant.
Coding change: c.2515G>A on transcript NM_001142864.4 (MANE Select); coding-DNA position 2515, G replaced by A.
Protein change: p.Val839Met; replaces valine 839 with methionine.
Molecular consequence: missense variant.
Genome position (GRCh38, 1-based): chr16:88,733,427, C>T on the plus strand (G>A on the coding strand, the complement: PIEZO1 is on the minus strand). VCF-style: chr16-88733427-C-T. GRCh37 (hg19) VCF-style: chr16-88799835-C-T.
Other names: c.1057G>A, p.Val353Met (NM_014745.1); short protein forms V353M, V839M.
Identifiers: ClinVar variation 2573752 (VCV002573752.1), dbSNP rs2507904469, ClinGen allele CA397111922.
Genomic context (GRCh38, chr16:88,733,427, plus strand): 5'-TGGACAGGCAGGAGGCCATGGGCCGGAAGCGTGGGTAGGGCAGGGCGAAGGCCCACAGCA[C>T]CACCAGCAGCAGGTTCATCACCGACACCTGAGGGCAGTGGGCACGTGGGGCTGGGCTTGG-3'
Protein context (NP_001136336.2, residues 829-849): EVSVMNLLLV[Val839Met]LWAFALPYPR

ClinVar aggregate classification (germline): Uncertain significance (1 of 4 stars; one submission).

Submission:

GeneDx
Classification: Uncertain significance. Last evaluated: 2023-01-23. Review status: criteria provided, single submitter. Criteria: GeneDx Variant Classification Process June 2021. Collection method: clinical testing. Allele origin: germline. Affected: yes.
Comment: Not observed at significant frequency in large population cohorts (gnomAD); In silico analysis supports that this missense variant does not alter protein structure/function; Has not been previously published as pathogenic or benign to our knowledge